The following is an entry in ClinVar:

ClinVar aggregate classification (germline): Uncertain significance (1 of 4 stars; one submission).

Allele frequency attached by ClinVar (database versions not stated): gnomAD exomes below 0.00001.
gnomAD v4.1: 6 of 1,614,244 alleles (0.00037%); highest among the groups gnomAD compares: Non-Finnish European, 0.00051%; no homozygotes.

Submission:

GeneDx
Classification: Uncertain significance. Last evaluated: 2022-03-30. Review status: criteria provided, single submitter. Criteria: GeneDx Variant Classification Process June 2021. Collection method: clinical testing. Allele origin: germline. Affected: yes.
Comment: Not observed at significant frequency in large population cohorts (gnomAD); In silico analysis supports that this missense variant has a deleterious effect on protein structure/function; Has not been previously published as pathogenic or benign to our knowledge

NM_001080.3(ALDH5A1):c.671C>T (p.Thr224Ile)

Gene: ALDH5A1 (aldehyde dehydrogenase 5 family member A1; plus strand). Cytogenetic location: 6p22.3.
Variant type: single nucleotide variant.
Coding change: c.671C>T on transcript NM_001080.3 (MANE Select); coding-DNA position 671, C replaced by T.
Protein change: p.Thr224Ile; replaces threonine 224 with isoleucine.
Molecular consequence: missense variant.
Genome position (GRCh38, 1-based): chr6:24,504,930, C>T. VCF-style: chr6-24504930-C-T. GRCh37 (hg19) VCF-style: chr6-24505158-C-T.
Other names: c.671C>T, p.Thr224Ile (NM_001368954.1, NM_170740.1); short protein forms T224I.
Identifiers: ClinVar variation 1707765 (VCV001707765.2), dbSNP rs2127382947, ClinGen allele CA362970101.